The following is an entry in ClinVar:

ClinVar aggregate classification (germline): Pathogenic (1 of 4 stars; one submission).

Conditions:
3-methylcrotonyl-CoA carboxylase 2 deficiency. Also called: METHYLCROTONYLGLYCINURIA, TYPE II; 3 alpha methylcrotonyl-CoA carboxylase 2 deficiency; 3 alpha methylcrotonylglycinuria 2; MCC 2 deficiency; Methylcrotonylglycinuria type 2. Identifiers: Orphanet 6, MedGen C1859499, MONDO:0008862, OMIM 210210.

Submission:

Labcorp Genetics (formerly Invitae), Labcorp
Classification: Pathogenic for 3-methylcrotonyl-CoA carboxylase 2 deficiency. Last evaluated: 2025-12-03. Review status: criteria provided, single submitter. Criteria: Invitae Variant Classification Sherloc (09022015). Collection method: clinical testing. Allele origin: germline.
Comment: This sequence change creates a premature translational stop signal (p.Asn449Thrfs*24) in the MCCC2 gene. It is expected to result in an absent or disrupted protein product. Loss-of-function variants in MCCC2 are known to be pathogenic (PMID: 11181649, 22642865). This variant is not present in population databases (gnomAD no frequency). This variant has not been reported in the literature in individuals affected with MCCC2-related conditions. For these reasons, this variant has been classified as Pathogenic.

Literature cited by the submitters: PubMed 11181649; PubMed 22642865.

NM_022132.5(MCCC2):c.1346del (p.Asn449fs)

Gene: MCCC2 (methylcrotonyl-CoA carboxylase subunit 2; plus strand). Cytogenetic location: 5q13.2.
Variant type: Deletion.
Coding change: c.1346del on transcript NM_022132.5 (MANE Select); coding-DNA position 1346, one base deleted (A; older notation c.1346delA).
Protein change: p.Asn449fs; shifts the reading frame from asparagine 449.
Molecular consequence: frameshift variant.
Genome position (GRCh38, 1-based): chr5:71,649,226, A deleted; the last of 3 consecutive A bases (chr5:71,649,224-71,649,226); deleting any one gives the same sequence. VCF-style (leftmost placement, unchanged base first): chr5-71649223-GA-G. GRCh37 (hg19) VCF-style: chr5-70945050-GA-G.
Other names: c.1232del, p.Asn411fs (NM_001363147.1); short protein forms N411fs, N449fs.
Identifiers: ClinVar variation 4808274 (VCV004808274.1).
Genomic context (GRCh38, chr5:71,649,223, plus strand): 5'-CTGTGGCCTGTGCCCAAGTGCCTAAGATAACCCTCATCATTGGGGGCTCCTATGGAGCCG[GA>G]AACTATGGGATGTGTGGCAGAGCATATAGGTAGGTGTCATGATTTTCTCTGAAACAAAGA-3'